The following is an entry in ClinVar:

NM_001015877.2(PHF6):c.765A>T (p.Thr255=)

Gene: PHF6 (PHD finger protein 6; plus strand). Cytogenetic location: Xq26.2.
Variant type: single nucleotide variant.
Coding change: c.765A>T on transcript NM_001015877.2 (MANE Select); coding-DNA position 765, A replaced by T.
Protein change: p.Thr255=; no amino-acid change (threonine 255 retained).
Molecular consequence: synonymous variant.
Genome position (GRCh38, 1-based): chrX:134,415,051, A>T. VCF-style: chrX-134415051-A-T. GRCh37 (hg19) VCF-style: chrX-133549081-A-T.
Other names: c.768A>T, p.Thr256= (NM_032335.3); c.765A>T, p.Thr255= (NM_032458.3).
Identifiers: ClinVar variation 3026841 (VCV003026841.22), dbSNP rs2520636060, ClinGen allele CA518651868.

ClinVar aggregate classification (germline): Likely benign (1 of 4 stars; one submission).

Submission:

CeGaT Center for Human Genetics Tuebingen
Classification: Likely benign. Last evaluated: 2024-01-01. Review status: criteria provided, single submitter. Criteria: CeGaT Center For Human Genetics Tuebingen Variant Classification Criteria Version 2. Collection method: clinical testing. Allele origin: germline. Affected: yes. Observed: 1 variant allele.
Comment: PHF6: PM2:Supporting, BP4, BP7